The following is an entry in ClinVar:

NM_000540.3(RYR1):c.10828G>A (p.Glu3610Lys)

Gene: RYR1 (ryanodine receptor 1; plus strand). Cytogenetic location: 19q13.2.
Variant type: single nucleotide variant.
Coding change: c.10828G>A on transcript NM_000540.3 (MANE Select); coding-DNA position 10828, G replaced by A.
Protein change: p.Glu3610Lys; replaces glutamic acid 3610 with lysine.
Molecular consequence: missense variant.
Genome position (GRCh38, 1-based): chr19:38,528,309, G>A. VCF-style: chr19-38528309-G-A. GRCh37 (hg19) VCF-style: chr19-39018949-G-A.
Other names: c.10813G>A, p.Glu3605Lys (NM_001042723.2); short protein forms E3605K, E3610K.
Identifiers: ClinVar variation 653548 (VCV000653548.7), dbSNP rs1600933909, ClinGen allele CA405649248.
Genomic context (GRCh38, chr19:38,528,309, plus strand): 5'-CTGGGAGTGAGAGGGGCAGGGTCTGGGGATGTGACTGTCCTGCTATCCCCTCCCCAGACC[G>A]AGCACCCTTACAAGTCTAAGAAGGCCGTGTGGCACAAGCTTTTGTCCAAACAGCGCCGGC-3'
Protein context (NP_000531.2, residues 3600-3620): SAVLYYLDQT[Glu3610Lys]HPYKSKKAVW

ClinVar aggregate classification (germline): Uncertain significance. Review status: criteria provided, multiple submitters, no conflicts (2 of 4 stars). 3 submissions from 3 submitters: Uncertain significance (3). Last evaluated 2025-10-14.

Conditions:
Malignant hyperthermia, susceptibility to, 1 (MHS1). Also called: RYR1-Related Malignant Hyperthermia Susceptibility; Anesthesia related hyperthermia; Malignant hyperpyrexia; Fulminating hyperpyrexia; Pharmacogenic myopathy; Malignant hyperthermia suceptibility 1. Identifiers: Orphanet 423, MedGen C2930980, MONDO:0007783, OMIM 145600.
RYR1-related disorder. Also called: RYR1-related disorders; RYR1-related condition. Identifiers: MedGen CN239331.

Allele frequency attached by ClinVar (database versions not stated): gnomAD exomes 0.00001.
gnomAD v4.1: 7 of 1,613,898 alleles (0.00043%); highest among the groups gnomAD compares: East Asian, 0.0022%; no homozygotes.

Submissions (3):

Color Diagnostics, LLC DBA Color Health
Classification: Uncertain significance for Malignant hyperthermia, susceptibility to, 1. Last evaluated: 2025-10-14. Review status: criteria provided, single submitter. Criteria: ACMG Guidelines, 2015. Collection method: clinical testing. Allele origin: germline.
Comment: This missense variant replaces glutamic acid with lysine at codon 3610 of the RYR1 protein. Computational prediction is inconclusive regarding the impact of this variant on protein structure and function. To our knowledge, functional studies have not been reported for this variant. This variant has not been reported in individuals affected with RYR1-related disorders in the literature. This variant has not been identified in the general population by the Genome Aggregation Database (gnomAD). The available evidence is insufficient to determine the role of this variant in disease conclusively. Therefore, this variant is classified as a Variant of Uncertain Significance.

All of Us Research Program, National Institutes of Health
Classification: Uncertain significance for Malignant hyperthermia, susceptibility to, 1. Last evaluated: 2023-10-02. Review status: criteria provided, single submitter. Criteria: ACMG Guidelines, 2015. Collection method: clinical testing. Allele origin: germline. Inheritance: Autosomal dominant inheritance. Observed: 1 variant allele, 1 heterozygote.
Comment: This missense variant replaces glutamic acid with lysine at codon 3610 of the RYR1 protein. Computational prediction is inconclusive regarding the impact of this variant on protein structure and function (internally defined REVEL score threshold 0.5 < inconclusive < 0.7, PMID: 27666373). To our knowledge, functional studies have not been reported for this variant. This variant has not been reported in individuals affected with RYR1-related disorders in the literature. This variant has not been identified in the general population by the Genome Aggregation Database (gnomAD). The available evidence is insufficient to determine the role of this variant in disease conclusively. Therefore, this variant is classified as a Variant of Uncertain Significance.

This study involves interpretation of variants in research participants for the purpose of population health screening. Participant phenotype was not available at the time of variant classification. Additional details can be found in publication PMID: 35346344, PMCID: PMC8962531

Labcorp Genetics (formerly Invitae), Labcorp
Classification: Uncertain significance for RYR1-related disorder. Last evaluated: 2021-08-27. Review status: criteria provided, single submitter. Criteria: Invitae Variant Classification Sherloc (09022015). Collection method: clinical testing. Allele origin: germline.
Comment: This sequence change replaces glutamic acid with lysine at codon 3610 of the RYR1 protein (p.Glu3610Lys). The glutamic acid residue is highly conserved and there is a small physicochemical difference between glutamic acid and lysine. This variant is not present in population databases (ExAC no frequency). This variant has not been reported in the literature in individuals affected with RYR1-related conditions. Algorithms developed to predict the effect of missense changes on protein structure and function are either unavailable or do not agree on the potential impact of this missense change (SIFT: "Deleterious"; PolyPhen-2: "Benign"; Align-GVGD: "Class C0"). In summary, the available evidence is currently insufficient to determine the role of this variant in disease. Therefore, it has been classified as a Variant of Uncertain Significance.